The following is an entry in ClinVar:

ClinVar aggregate classification (germline): Uncertain significance. Review status: criteria provided, multiple submitters, no conflicts (2 of 4 stars). 3 submissions from 3 submitters: Uncertain significance (2). 1 of the submissions does not count toward it. Last evaluated 2025-04-24.

Conditions:
Cardiovascular phenotype. Identifiers: MedGen CN230736.
Dilated cardiomyopathy 1JJ (CMD1JJ). Identifiers: Orphanet 154, MedGen C3808935, MONDO:0014095, OMIM 615235.
LAMA4-related disorder. Also called: LAMA4-related condition.

Allele frequency attached by ClinVar (database versions not stated): gnomAD 0.00001; TOPMed 0.00001.
gnomAD v4.1: 13 of 1,612,620 alleles (0.00081%); highest among the groups gnomAD compares: East Asian, 0.0022%; no homozygotes.

Submissions (3):

Ambry Genetics
Classification: Uncertain significance for Cardiovascular phenotype. Last evaluated: 2025-04-24. Review status: criteria provided, single submitter. Criteria: Ambry Variant Classification Scheme 2023. Collection method: clinical testing. Allele origin: germline.
Comment: The p.G1349S variant (also known as c.4045G>A), located in coding exon 29 of the LAMA4 gene, results from a G to A substitution at nucleotide position 4045. The glycine at codon 1349 is replaced by serine, an amino acid with similar properties. This amino acid position is conserved. In addition, this alteration is predicted to be deleterious by in silico analysis. Based on the available evidence, the clinical significance of this variant remains unclear.

Labcorp Genetics (formerly Invitae), Labcorp
Classification: Uncertain significance for Dilated cardiomyopathy 1JJ. Last evaluated: 2025-02-09. Review status: criteria provided, single submitter. Criteria: Invitae Variant Classification Sherloc (09022015). Collection method: clinical testing. Allele origin: germline.
Comment: This sequence change replaces glycine, which is neutral and non-polar, with serine, which is neutral and polar, at codon 1349 of the LAMA4 protein (p.Gly1349Ser). This variant is present in population databases (no rsID available, gnomAD 0.0009%). This variant has not been reported in the literature in individuals affected with LAMA4-related conditions. ClinVar contains an entry for this variant (Variation ID: 3061036). Invitae Evidence Modeling of protein sequence and biophysical properties (such as structural, functional, and spatial information, amino acid conservation, physicochemical variation, residue mobility, and thermodynamic stability) indicates that this missense variant is expected to disrupt LAMA4 protein function with a positive predictive value of 80%. In summary, the available evidence is currently insufficient to determine the role of this variant in disease. Therefore, it has been classified as a Variant of Uncertain Significance.

PreventionGenetics, part of Exact Sciences
Classification: Uncertain significance for LAMA4-related condition. Last evaluated: 2024-02-21. Review status: no assertion criteria provided. Collection method: clinical testing. Allele origin: germline. Not counted in ClinVar's aggregate classification.
Comment: The LAMA4 c.4045G>A variant is predicted to result in the amino acid substitution p.Gly1349Ser. To our knowledge, this variant has not been reported in the literature. This variant is reported in 0.00088% of alleles in individuals of European (Non-Finnish) descent in gnomAD. At this time, the clinical significance of this variant is uncertain due to the absence of conclusive functional and genetic evidence.

NM_001105206.3(LAMA4):c.4066G>A (p.Gly1356Ser)

Gene: LAMA4 (laminin subunit alpha 4; minus strand). Cytogenetic location: 6q21.
Variant type: single nucleotide variant.
Coding change: c.4066G>A on transcript NM_001105206.3 (MANE Select); coding-DNA position 4066, G replaced by A.
Protein change: p.Gly1356Ser; replaces glycine 1356 with serine.
Molecular consequence: missense variant.
Genome position (GRCh38, 1-based): chr6:112,129,943, C>T on the plus strand (G>A on the coding strand, the complement: LAMA4 is on the minus strand). VCF-style: chr6-112129943-C-T. GRCh37 (hg19) VCF-style: chr6-112451145-C-T.
Other names: c.4045G>A, p.Gly1349Ser (NM_001105207.3, NM_002290.5); short protein forms G1349S, G1356S.
Identifiers: ClinVar variation 3061036 (VCV003061036.5), dbSNP rs1268977606, ClinGen allele CA365373465.